The following is an entry in ClinVar:

ClinVar aggregate classification (germline): Uncertain significance (1 of 4 stars; one submission).

Allele frequency attached by ClinVar (database versions not stated): gnomAD 0.00002; ExAC 0.00004; 1000 Genomes Project 30x 0.00016; 1000 Genomes Project 0.00020.

Submission:

Labcorp Genetics (formerly Invitae), Labcorp
Classification: Uncertain significance. Last evaluated: 2021-12-12. Review status: criteria provided, single submitter. Criteria: Invitae Variant Classification Sherloc (09022015). Collection method: clinical testing. Allele origin: germline.
Comment: This sequence change replaces arginine, which is basic and polar, with histidine, which is basic and polar, at codon 285 of the UBE3B protein (p.Arg285His). This variant is present in population databases (rs182329731, gnomAD 0.02%). This variant has not been reported in the literature in individuals affected with UBE3B-related conditions. Algorithms developed to predict the effect of missense changes on protein structure and function output the following: SIFT: "Tolerated"; PolyPhen-2: "Benign"; Align-GVGD: "Class C0". The histidine amino acid residue is found in multiple mammalian species, which suggests that this missense change does not adversely affect protein function. In summary, the available evidence is currently insufficient to determine the role of this variant in disease. Therefore, it has been classified as a Variant of Uncertain Significance.

NM_130466.4(UBE3B):c.854G>A (p.Arg285His)

Gene: UBE3B (ubiquitin protein ligase E3B; plus strand). Cytogenetic location: 12q24.11.
Variant type: single nucleotide variant.
Coding change: c.854G>A on transcript NM_130466.4 (MANE Select); coding-DNA position 854, G replaced by A.
Protein change: p.Arg285His; replaces arginine 285 with histidine.
Molecular consequence: missense variant.
Genome position (GRCh38, 1-based): chr12:109,498,267, G>A. VCF-style: chr12-109498267-G-A. GRCh37 (hg19) VCF-style: chr12-109936072-G-A.
Other names: c.854G>A, p.Arg285His (NM_183415.3); short protein forms R285H.
Identifiers: ClinVar variation 2195826 (VCV002195826.1), dbSNP rs182329731, ClinGen allele CA6777726.